The following is an entry in ClinVar:

ClinVar aggregate classification (germline): Conflicting classifications of pathogenicity. Review status: criteria provided, conflicting classifications (1 of 4 stars). 8 submissions from 8 submitters: Uncertain significance (7); Likely benign (1). Last evaluated 2026-01-06.

Conditions:
PLEC-related disorder. Also called: PLEC-related condition; PLEC-related disorders.
Autosomal recessive limb-girdle muscular dystrophy type 2Q (LGMDR17). Also called: MUSCULAR DYSTROPHY, LIMB-GIRDLE, AUTOSOMAL RECESSIVE 17. Identifiers: Orphanet 254361, MedGen C3150989, MONDO:0013390, OMIM 613723.
Epidermolysis bullosa simplex with nail dystrophy (EBS5D). Identifiers: MedGen C4225309, MONDO:0014661, OMIM 616487.
Epidermolysis bullosa simplex 5C, with pyloric atresia (EBS5C). Also called: PLEC-Related Epidermolysis Bullosa with Pyloric Atresia; PLEC1-Related Epidermolysis Bullosa with Pyloric Atresia; Epidermolysis bullosa simplex with pyloric atresia. Identifiers: Orphanet 158684, MedGen C2677349, MONDO:0012807, OMIM 612138.
Epidermolysis bullosa simplex, Ogna type (EBS5A). Also called: Pidermolysis bullosa simplex 5A, Ogna type; EPIDERMOLYSIS BULLOSA SIMPLEX 5A, OGNA TYPE. Identifiers: Orphanet 79401, MedGen C0432317, MONDO:0007555, OMIM 131950.
Epidermolysis bullosa simplex 5B, with muscular dystrophy (EBS5B). Also called: Epidermolysis bullosa simplex with muscular dystrophy; EPIDERMOLYSIS BULLOSA SIMPLEX AND LIMB-GIRDLE MUSCULAR DYSTROPHY. Identifiers: Orphanet 257, MedGen C2931072, MONDO:0009181, OMIM 226670.
Inborn genetic diseases. Identifiers: MedGen C0950123, MeSH D030342.

Allele frequency attached by ClinVar (database versions not stated): ESP Exome Variant Server 0.00024; gnomAD exomes 0.00024; ExAC 0.00026; gnomAD 0.00057; TOPMed 0.00086; 1000 Genomes Project 0.00140; 1000 Genomes Project 30x 0.00141.

Submissions (8):

Labcorp Genetics (formerly Invitae), Labcorp
Classification: Uncertain significance for Autosomal recessive limb-girdle muscular dystrophy type 2Q; Epidermolysis bullosa simplex, Ogna type; Epidermolysis bullosa simplex with nail dystrophy; Epidermolysis bullosa simplex 5C, with pyloric atresia; Epidermolysis bullosa simplex 5B, with muscular dystrophy. Last evaluated: 2026-01-06. Review status: criteria provided, single submitter. Criteria: Invitae Variant Classification Sherloc (09022015). Collection method: clinical testing. Allele origin: germline.
Comment: This sequence change replaces threonine, which is neutral and polar, with methionine, which is neutral and non-polar, at codon 3549 of the PLEC protein (p.Thr3549Met). This variant is present in population databases (rs375095764, gnomAD 0.2%). This variant has not been reported in the literature in individuals affected with PLEC-related conditions. ClinVar contains an entry for this variant (Variation ID: 285342). Invitae Evidence Modeling of protein sequence and biophysical properties (such as structural, functional, and spatial information, amino acid conservation, physicochemical variation, residue mobility, and thermodynamic stability) indicates that this missense variant is not expected to disrupt PLEC protein function with a negative predictive value of 80%. In summary, the available evidence is currently insufficient to determine the role of this variant in disease. Therefore, it has been classified as a Variant of Uncertain Significance.

PreventionGenetics, part of Exact Sciences
Classification: Likely benign for PLEC-related condition. Last evaluated: 2024-12-17. Review status: criteria provided, single submitter. Criteria: ACMG Guidelines, 2015. Collection method: clinical testing. Allele origin: germline.
Comment: This variant is classified as likely benign based on ACMG/AMP sequence variant interpretation guidelines (Richards et al. 2015 PMID: 25741868, with internal and published modifications).

Blueprint Genetics
Classification: Uncertain significance. Last evaluated: 2024-09-23. Review status: criteria provided, single submitter. Criteria: ACMG Guidelines, 2015. Collection method: clinical testing. Allele origin: germline.

GeneDx
Classification: Uncertain significance. Last evaluated: 2024-07-10. Review status: criteria provided, single submitter. Criteria: GeneDx Variant Classification Process June 2021. Collection method: clinical testing. Allele origin: germline. Affected: yes.
Comment: Observed in the heterozygous state in a patient with epidermolysis bullosa in the literature, but additional clinical information and segregation data were not provided (PMID: 31001817); In silico analysis supports that this missense variant has a deleterious effect on protein structure/function; Missense variant in a gene in which most reported pathogenic variants are truncating/loss of function; This variant is associated with the following publications: (PMID: 31001817)

Ambry Genetics
Classification: Uncertain significance for Inborn genetic diseases. Last evaluated: 2021-06-22. Review status: criteria provided, single submitter. Criteria: Ambry Variant Classification Scheme 2023. Collection method: clinical testing. Allele origin: germline.

Revvity Omics, Revvity
Classification: Uncertain significance. Last evaluated: 2020-10-06. Review status: criteria provided, single submitter. Criteria: ACMG Guidelines, 2015. Collection method: clinical testing. Allele origin: germline.

CeGaT Center for Human Genetics Tuebingen
Classification: Uncertain significance. Last evaluated: 2019-04-01. Review status: criteria provided, single submitter. Criteria: CeGaT Center For Human Genetics Tuebingen Variant Classification Criteria Version 2. Collection method: clinical testing. Allele origin: germline. Affected: yes. Observed: 1 variant allele.

Eurofins Ntd Llc (ga)
Classification: Uncertain significance. Last evaluated: 2018-01-25. Review status: criteria provided, single submitter. Criteria: EGL Classification Definitions 2015. Collection method: clinical testing. Allele origin: germline. Observed: 4 variant alleles, 4 heterozygotes.

NM_201384.3(PLEC):c.10565C>T (p.Thr3522Met)

Gene: PLEC (plectin; minus strand). Cytogenetic location: 8q24.3.
Variant type: single nucleotide variant.
Coding change: c.10565C>T on transcript NM_201384.3 (MANE Select); coding-DNA position 10565, C replaced by T.
Protein change: p.Thr3522Met; replaces threonine 3522 with methionine.
Molecular consequence: missense variant.
Genome position (GRCh38, 1-based): chr8:143,919,256, G>A on the plus strand (C>T on the coding strand, the complement: PLEC is on the minus strand). VCF-style: chr8-143919256-G-A. GRCh37 (hg19) VCF-style: chr8-144993424-G-A.
Other names: c.10646C>T, p.Thr3549Met (NM_000445.5); c.10523C>T, p.Thr3508Met (NM_201378.4); c.10499C>T, p.Thr3500Met (NM_201379.3); c.10976C>T, p.Thr3659Met (NM_201380.4); c.10469C>T, p.Thr3490Met (NM_201381.3); c.10565C>T, p.Thr3522Met (NM_201382.4); c.10577C>T, p.Thr3526Met (NM_201383.3); short protein forms T3490M, T3500M, T3659M, T3508M, T3522M, T3526M, T3549M.
Identifiers: ClinVar variation 285342 (VCV000285342.65), dbSNP rs375095764, ClinGen allele CA4924607.
Genomic context (GRCh38, chr8:143,919,256, plus strand): 5'-GGCAGAAGGCGCAAGCCCGTCTCGGGGTCCTCCACGCACCGCTCCAGCAGCTGCCTGTAC[G>A]TGAGGTTCTCATGCGTGTTGGGGTCAAAGAAGCCCTTGGTGTCGTCGCTGGGGTCCGCCA-3'
Protein context (NP_958786.1, residues 3512-3532): FFDPNTHENL[Thr3522Met]YRQLLERCVE